The following is an entry in ClinVar:

NM_007186.6(CEP250):c.6130C>T (p.Leu2044Phe)

Gene: CEP250 (centrosomal protein 250; plus strand). Cytogenetic location: 20q11.22.
Variant type: single nucleotide variant.
Coding change: c.6130C>T on transcript NM_007186.6 (MANE Select); coding-DNA position 6130, C replaced by T.
Protein change: p.Leu2044Phe; replaces leucine 2044 with phenylalanine.
Molecular consequence: missense variant.
Genome position (GRCh38, 1-based): chr20:35,504,499, C>T. VCF-style: chr20-35504499-C-T. GRCh37 (hg19) VCF-style: chr20-34092327-C-T.
Other names: c.4234C>T, p.Leu1412Phe (NM_001318219.1); short protein forms L1412F, L2044F.
Identifiers: ClinVar variation 1003614 (VCV001003614.7), dbSNP rs2064125410, ClinGen allele CA408756104.

ClinVar aggregate classification (germline): Uncertain significance (1 of 4 stars; one submission).

Submission:

Labcorp Genetics (formerly Invitae), Labcorp
Classification: Uncertain significance. Last evaluated: 2022-09-19. Review status: criteria provided, single submitter. Criteria: Invitae Variant Classification Sherloc (09022015). Collection method: clinical testing. Allele origin: germline.
Comment: This variant is not present in population databases (gnomAD no frequency). This sequence change replaces leucine, which is neutral and non-polar, with phenylalanine, which is neutral and non-polar, at codon 2044 of the CEP250 protein (p.Leu2044Phe). This variant has not been reported in the literature in individuals affected with CEP250-related conditions. ClinVar contains an entry for this variant (Variation ID: 1003614). Algorithms developed to predict the effect of missense changes on protein structure and function are either unavailable or do not agree on the potential impact of this missense change (SIFT: "Not Available"; PolyPhen-2: "Probably Damaging"; Align-GVGD: "Not Available"). In summary, the available evidence is currently insufficient to determine the role of this variant in disease. Therefore, it has been classified as a Variant of Uncertain Significance.